The following is an entry in ClinVar:

ClinVar aggregate classification (germline): Uncertain significance (1 of 4 stars; one submission).

Submission:

Labcorp Genetics (formerly Invitae), Labcorp
Classification: Uncertain significance. Last evaluated: 2025-02-07. Review status: criteria provided, single submitter. Criteria: Invitae Variant Classification Sherloc (09022015). Collection method: clinical testing. Allele origin: germline.
Comment: This sequence change replaces lysine, which is basic and polar, with arginine, which is basic and polar, at codon 408 of the ZMYND11 protein (p.Lys408Arg). This variant is not present in population databases (gnomAD no frequency). This variant has not been reported in the literature in individuals affected with ZMYND11-related conditions. Invitae Evidence Modeling of protein sequence and biophysical properties (such as structural, functional, and spatial information, amino acid conservation, physicochemical variation, residue mobility, and thermodynamic stability) indicates that this missense variant is not expected to disrupt ZMYND11 protein function with a negative predictive value of 80%. In summary, the available evidence is currently insufficient to determine the role of this variant in disease. Therefore, it has been classified as a Variant of Uncertain Significance.

NM_001370100.5(ZMYND11):c.1223A>G (p.Lys408Arg)

Gene: ZMYND11 (zinc finger MYND-type containing 11; plus strand). Cytogenetic location: 10p15.3.
Variant type: single nucleotide variant.
Coding change: c.1223A>G on transcript NM_001370100.5 (MANE Select); coding-DNA position 1223, A replaced by G.
Protein change: p.Lys408Arg; replaces lysine 408 with arginine.
Molecular consequence: missense variant. On other transcripts: non-coding transcript variant (1), intron variant (2).
Genome position (GRCh38, 1-based): chr10:247,462, A>G. VCF-style: chr10-247462-A-G. GRCh37 (hg19) VCF-style: chr10-293402-A-G.
Other names: c.1061A>G, p.Lys354Arg (NM_001202464.3, NM_001202467.1, NM_001370103.2 and 6 more transcripts); c.968A>G, p.Lys323Arg (NM_001202465.3, NM_001370110.2); c.1058A>G, p.Lys353Arg (NM_001202466.3, NM_001370111.2); c.1223A>G, p.Lys408Arg (NM_001202468.1, NM_001370097.3, NM_001370098.2 and 4 more transcripts); c.1172A>G, p.Lys391Arg (NM_001330057.3, NM_001370112.2); c.1130A>G, p.Lys377Arg (NM_001370113.2, NM_001370114.2); c.1220A>G, p.Lys407Arg (NM_001370115.2, NM_212479.4); c.1157A>G, p.Lys386Arg (NM_001370116.2); and 8 more; short protein forms K289R, K306R, K314R, K377R, K386R, K323R, K353R, K354R.
Identifiers: ClinVar variation 4737143 (VCV004737143.1).